The following is an entry in ClinVar:

NM_001329943.3(KIAA0586):c.1745T>G (p.Ile582Ser)

Gene: KIAA0586 (KIAA0586; plus strand). Cytogenetic location: 14q23.1.
Variant type: single nucleotide variant.
Coding change: c.1745T>G on transcript NM_001329943.3 (MANE Select); coding-DNA position 1745, T replaced by G.
Protein change: p.Ile582Ser; replaces isoleucine 582 with serine.
Molecular consequence: missense variant. On other transcripts: intron variant (1).
Genome position (GRCh38, 1-based): chr14:58,459,931, T>G. VCF-style: chr14-58459931-T-G. GRCh37 (hg19) VCF-style: chr14-58926649-T-G.
Other names: c.1904T>G, p.Ile635Ser (NM_001244189.2); c.1700T>G, p.Ile567Ser (NM_001244190.2); c.1490T>G, p.Ile497Ser (NM_001244191.2, NM_001329945.2, NM_001364700.1 and 1 more transcripts); c.1613T>G, p.Ile538Ser (NM_001244192.2); c.1325T>G, p.Ile442Ser (NM_001244193.2); c.1745T>G, p.Ile582Ser (NM_001329944.2, NM_001329946.2, NM_001329947.2); c.1657-1055T>G (NM_014749.5); short protein forms I567S, I582S, I497S, I635S, I538S, I442S.
Identifiers: ClinVar variation 2064884 (VCV002064884.4), dbSNP rs1039498791, ClinGen allele CA389870859.

ClinVar aggregate classification (germline): Uncertain significance (1 of 4 stars; one submission).

Conditions:
Short-rib thoracic dysplasia 14 with polydactyly (SRTD14). Identifiers: Orphanet 397715, MedGen C4225286, MONDO:0014688, OMIM 616546.
Joubert syndrome 23 (JBTS23). Identifiers: Orphanet 475, MedGen C4084822, MONDO:0014664, OMIM 616490.

Submission:

Labcorp Genetics (formerly Invitae), Labcorp
Classification: Uncertain significance for Joubert syndrome 23; Short-rib thoracic dysplasia 14 with polydactyly. Last evaluated: 2021-12-29. Review status: criteria provided, single submitter. Criteria: Invitae Variant Classification Sherloc (09022015). Collection method: clinical testing. Allele origin: germline.
Comment: This variant is not present in population databases (gnomAD no frequency). This sequence change replaces isoleucine, which is neutral and non-polar, with serine, which is neutral and polar, at codon 635 of the KIAA0586 protein (p.Ile635Ser). This variant has not been reported in the literature in individuals affected with KIAA0586-related conditions. In summary, the available evidence is currently insufficient to determine the role of this variant in disease. Therefore, it has been classified as a Variant of Uncertain Significance. Algorithms developed to predict the effect of missense changes on protein structure and function are either unavailable or do not agree on the potential impact of this missense change (SIFT: "Deleterious"; PolyPhen-2: "Benign"; Align-GVGD: "Class C0").